The following is an entry in ClinVar:

NM_000059.4(BRCA2):c.671A>G (p.Asp224Gly)

Gene: BRCA2 (BRCA2 DNA repair associated; plus strand). Cytogenetic location: 13q13.1.
Variant type: single nucleotide variant.
Coding change: c.671A>G on transcript NM_000059.4 (MANE Select); coding-DNA position 671, A replaced by G.
Protein change: p.Asp224Gly; replaces aspartic acid 224 with glycine.
Molecular consequence: missense variant.
Genome position (GRCh38, 1-based): chr13:32,329,482, A>G. VCF-style: chr13-32329482-A-G. GRCh37 (hg19) VCF-style: chr13-32903619-A-G.
Other names: c.671A>G, p.Asp224Gly (NM_001406719.1, NM_001406720.1, NM_001406721.1); c.302A>G, p.Asp101Gly (NM_001406722.1); short protein forms D101G, D224G.
Identifiers: ClinVar variation 1755079 (VCV001755079.4), dbSNP rs397507878, ClinGen allele CA387759498.

ClinVar aggregate classification (germline): Uncertain significance. Review status: criteria provided, multiple submitters, no conflicts (2 of 4 stars). 2 submissions from 2 submitters: Uncertain significance (2). Last evaluated 2025-01-01.

Conditions:
Hereditary cancer-predisposing syndrome. Also called: Neoplastic Syndromes, Hereditary; Tumor predisposition; Hereditary Cancer Syndrome; Hereditary neoplastic syndrome. Identifiers: Orphanet 140162, MedGen C0027672, MeSH D009386, MONDO:0015356.
Hereditary breast ovarian cancer syndrome. Also called: Hereditary breast and ovarian cancer syndrome (HBOC); Hereditary breast and ovarian cancer; BRCA1- and BRCA2-Associated Hereditary Breast and Ovarian Cancer; Hereditary breast and ovarian cancer syndrome; Breast and ovarian cancer; Hereditary breast and/or ovarian cancer syndrome. Identifiers: Orphanet 145, MedGen C0677776, MeSH D061325, MONDO:0003582. Disease mechanism: loss of function.

Submissions (2):

Labcorp Genetics (formerly Invitae), Labcorp
Classification: Uncertain significance for Hereditary breast ovarian cancer syndrome. Last evaluated: 2025-01-01. Review status: criteria provided, single submitter. Criteria: Invitae Variant Classification Sherloc (09022015). Collection method: clinical testing. Allele origin: germline.
Comment: This sequence change replaces aspartic acid, which is acidic and polar, with glycine, which is neutral and non-polar, at codon 224 of the BRCA2 protein (p.Asp224Gly). This variant is not present in population databases (gnomAD no frequency). This variant has not been reported in the literature in individuals affected with BRCA2-related conditions. ClinVar contains an entry for this variant (Variation ID: 1755079). Invitae Evidence Modeling of protein sequence and biophysical properties (such as structural, functional, and spatial information, amino acid conservation, physicochemical variation, residue mobility, and thermodynamic stability) indicates that this missense variant is not expected to disrupt BRCA2 protein function with a negative predictive value of 95%. In summary, the available evidence is currently insufficient to determine the role of this variant in disease. Therefore, it has been classified as a Variant of Uncertain Significance.

Ambry Genetics
Classification: Uncertain significance for Hereditary cancer-predisposing syndrome. Last evaluated: 2021-03-12. Review status: criteria provided, single submitter. Criteria: Ambry Variant Classification Scheme 2023. Collection method: clinical testing. Allele origin: germline.
Comment: The p.D224G variant (also known as c.671A>G), located in coding exon 7 of the BRCA2 gene, results from an A to G substitution at nucleotide position 671. The aspartic acid at codon 224 is replaced by glycine, an amino acid with similar properties. This amino acid position is well conserved in available vertebrate species. In addition, this alteration is predicted to be tolerated by in silico analysis. Since supporting evidence is limited at this time, the clinical significance of this alteration remains unclear.